The following is an entry in ClinVar:

ClinVar aggregate classification (germline): Uncertain significance (1 of 4 stars; one submission).

gnomAD v4.1: 15 of 1,274,096 alleles (0.0012%); highest among the groups gnomAD compares: African/African-American, 0.022%; no homozygotes.

Submission:

Ambry Genetics
Classification: Uncertain significance. Last evaluated: 2026-01-20. Review status: criteria provided, single submitter. Criteria: Ambry Variant Classification Scheme 2023. Collection method: clinical testing. Allele origin: germline.
Comment: The c.25G>T (p.V9L) alteration is located in exon 1 (coding exon 1) of the PHLPP1 gene. This alteration results from a G to T substitution at nucleotide position 25, causing the valine (V) at amino acid position 9 to be replaced by a leucine (L). Based on data from gnomAD, the T allele has an overall frequency of 0.01% (3/29572) total alleles studied. The highest observed frequency was 0.036% (3/8434) of African alleles. Based on insufficient or conflicting evidence, the clinical significance of this alteration remains unclear.

NM_194449.4(PHLPP1):c.25G>T (p.Val9Leu)

Gene: PHLPP1 (PH domain and leucine rich repeat protein phosphatase 1; plus strand). Cytogenetic location: 18q21.33.
Variant type: single nucleotide variant.
Coding change: c.25G>T on transcript NM_194449.4 (MANE Select); coding-DNA position 25, G replaced by T.
Protein change: p.Val9Leu; replaces valine 9 with leucine.
Molecular consequence: missense variant.
Genome position (GRCh38, 1-based): chr18:62,715,708, G>T. VCF-style: chr18-62715708-G-T. GRCh37 (hg19) VCF-style: chr18-60382941-G-T.
Other names: short protein forms V9L.
Identifiers: ClinVar variation 4828138 (VCV004828138.1).
Genomic context (GRCh38, chr18:62,715,708, plus strand): 5'-TCCGGAGCTGGGGGGGAAACGCGAAGCCCCACTGCAATGGAGCCCGCCGCCGCGGCCACG[G>T]TACAGCGACTCCCCGAGCTCGGCAGGGAGGACCGAGCTTCGGCTCCGGCGGCCGCCGCTG-3'
Protein context (NP_919431.2, residues 1-19): MEPAAAAT[Val9Leu]QRLPELGRED